The following is an entry in ClinVar:

ClinVar aggregate classification (germline): Pathogenic (1 of 4 stars; one submission).

Conditions:
Bethlem myopathy 1A. Also called: MYOPATHY, BENIGN CONGENITAL, WITH CONTRACTURES; Bethlem myopathy 1; Bethlem Muscular Dystrophy. Identifiers: Orphanet 610, MedGen CN029274, MONDO:0024530, OMIM 158810.

Submission:

Labcorp Genetics (formerly Invitae), Labcorp
Classification: Pathogenic for Bethlem myopathy 1A. Last evaluated: 2021-06-04. Review status: criteria provided, single submitter. Criteria: Invitae Variant Classification Sherloc (09022015). Collection method: clinical testing. Allele origin: unknown.
Comment: For these reasons, this variant has been classified as Pathogenic. This variant disrupts the C-terminus of the COL6A2 protein. Other variant(s) that disrupt this region (p.Tyr1002*) have been determined to be pathogenic (PMID: 29419890). This suggests that variants that disrupt this region of the protein are likely to be causative of disease. This variant has not been reported in the literature in individuals with COL6A2-related conditions. This sequence change is a complex rearrangement that is expected to disrupt part of exon 28 of the COL6A2 gene (c.2879_*1894). While this is not anticipated to result in nonsense mediated decay, it is expected to disrupt the last 60 amino acids of the COL6A2 protein.

Literature cited by the submitters: PubMed 29419890.

NC_000021.8:g.(?_47552285)_(47554633_?)del

Gene: COL6A2 (collagen type VI alpha 2 chain; plus strand). Cytogenetic location: 21q22.3.
Variant type: Deletion.
Identifiers: ClinVar variation 3248172 (VCV003248172.1).